The following is an entry in ClinVar:

NM_003737.4(DCHS1):c.6551G>A (p.Arg2184Gln)

Gene: DCHS1 (dachsous cadherin-related 1; minus strand). Cytogenetic location: 11p15.4.
Variant type: single nucleotide variant.
Coding change: c.6551G>A on transcript NM_003737.4 (MANE Select); coding-DNA position 6551, G replaced by A.
Protein change: p.Arg2184Gln; replaces arginine 2184 with glutamine.
Molecular consequence: missense variant.
Genome position (GRCh38, 1-based): chr11:6,626,194, C>T on the plus strand (G>A on the coding strand, the complement: DCHS1 is on the minus strand). VCF-style: chr11-6626194-C-T. GRCh37 (hg19) VCF-style: chr11-6647425-C-T.
Other names: c.6551G>A (NM_003737.2); short protein forms R2184Q.
Identifiers: ClinVar variation 2885943 (VCV002885943.5), dbSNP rs753090271, ClinGen allele CA5859838.

ClinVar aggregate classification (germline): Uncertain significance. Review status: criteria provided, multiple submitters, no conflicts (2 of 4 stars). 2 submissions from 2 submitters: Uncertain significance (2). Last evaluated 2024-06-07.

Conditions:
Inborn genetic diseases. Identifiers: MedGen C0950123, MeSH D030342.

Allele frequency attached by ClinVar (database versions not stated): ExAC 0.00001; TOPMed 0.00001.
gnomAD v4.1: 15 of 1,609,320 alleles (0.00093%); highest among the groups gnomAD compares: Admixed American, 0.0034%; no homozygotes.

Submissions (3):

Ambry Genetics
Classification: Uncertain significance for Inborn genetic diseases. Last evaluated: 2024-06-07. Review status: criteria provided, single submitter. Criteria: Ambry Variant Classification Scheme 2023. Collection method: clinical testing. Allele origin: germline.

Labcorp Genetics (formerly Invitae), Labcorp
Classification: Uncertain significance. Last evaluated: 2024-03-10. Review status: criteria provided, single submitter. Criteria: Invitae Variant Classification Sherloc (09022015). Collection method: clinical testing. Allele origin: germline.
Comment: This sequence change replaces arginine, which is basic and polar, with glutamine, which is neutral and polar, at codon 2184 of the DCHS1 protein (p.Arg2184Gln). This variant is present in population databases (rs753090271, gnomAD 0.009%). This variant has not been reported in the literature in individuals affected with DCHS1-related conditions. Advanced modeling of protein sequence and biophysical properties (such as structural, functional, and spatial information, amino acid conservation, physicochemical variation, residue mobility, and thermodynamic stability) performed at Invitae indicates that this missense variant is not expected to disrupt DCHS1 protein function with a negative predictive value of 80%. In summary, the available evidence is currently insufficient to determine the role of this variant in disease. Therefore, it has been classified as a Variant of Uncertain Significance.

Dr. Peter K. Rogan Lab, Western University
No classification provided (evidence only). Condition: Thyroid cancer, nonmedullary, 1. Review status: no classification provided. Collection method: in vitro. Allele origin: not applicable. Functional consequence: retained intron. Not counted in ClinVar's aggregate classification.